The following is an entry in ClinVar:

NM_201384.3(PLEC):c.6069C>G (p.Arg2023=)

Gene: PLEC (plectin; minus strand). Cytogenetic location: 8q24.3.
Variant type: single nucleotide variant.
Coding change: c.6069C>G on transcript NM_201384.3 (MANE Select); coding-DNA position 6069, C replaced by G.
Protein change: p.Arg2023=; no amino-acid change (arginine 2023 retained).
Molecular consequence: synonymous variant.
Genome position (GRCh38, 1-based): chr8:143,923,860, G>C on the plus strand (C>G on the coding strand, the complement: PLEC is on the minus strand). VCF-style: chr8-143923860-G-C. GRCh37 (hg19) VCF-style: chr8-144998028-G-C.
Other names: c.6150C>G, p.Arg2050= (NM_000445.5); c.6027C>G, p.Arg2009= (NM_201378.4); c.6003C>G, p.Arg2001= (NM_201379.3); c.6480C>G, p.Arg2160= (NM_201380.4); c.5973C>G, p.Arg1991= (NM_201381.3); c.6069C>G, p.Arg2023= (NM_201382.4); c.6081C>G, p.Arg2027= (NM_201383.3).
Identifiers: ClinVar variation 93070 (VCV000093070.47), dbSNP rs376365984, ClinGen allele CA220946.
Genomic context (GRCh38, chr8:143,923,860, plus strand): 5'-GGCGGCCTCCTGGGCCAGCTGCAGCTGCCGCGCCGACTCCTGCTCCGCTCGCTCCCGCAG[G>C]CGCCGCGCCTCCTCCACCTTGGCTTTCAGCCGCTCGACTTCCTCCAGCGCCGCCTTCCGC-3'
Protein context (NP_958786.1, residues 2013-2033): RLKAKVEEAR[Arg2023=]LRERAEQESA

ClinVar aggregate classification (germline): Benign/Likely benign. Review status: criteria provided, multiple submitters, no conflicts (2 of 4 stars). 10 submissions from 10 submitters: Benign (4); Likely benign (5). 1 of the submissions does not count toward it. Last evaluated 2026-05-01.

Conditions:
Epidermolysis bullosa simplex, Ogna type (EBS5A). Also called: Pidermolysis bullosa simplex 5A, Ogna type; EPIDERMOLYSIS BULLOSA SIMPLEX 5A, OGNA TYPE. Identifiers: Orphanet 79401, MedGen C0432317, MONDO:0007555, OMIM 131950.
Epidermolysis bullosa simplex with nail dystrophy (EBS5D). Identifiers: MedGen C4225309, MONDO:0014661, OMIM 616487.
Epidermolysis bullosa simplex 5C, with pyloric atresia (EBS5C). Also called: PLEC1-Related Epidermolysis Bullosa with Pyloric Atresia; PLEC-Related Epidermolysis Bullosa with Pyloric Atresia; Epidermolysis bullosa simplex with pyloric atresia. Identifiers: Orphanet 158684, MedGen C2677349, MONDO:0012807, OMIM 612138.
Epidermolysis bullosa simplex 5B, with muscular dystrophy (EBS5B). Also called: EPIDERMOLYSIS BULLOSA SIMPLEX AND LIMB-GIRDLE MUSCULAR DYSTROPHY; Epidermolysis bullosa simplex with muscular dystrophy. Identifiers: Orphanet 257, MedGen C2931072, MONDO:0009181, OMIM 226670.
Autosomal recessive limb-girdle muscular dystrophy type 2Q (LGMDR17). Also called: MUSCULAR DYSTROPHY, LIMB-GIRDLE, AUTOSOMAL RECESSIVE 17. Identifiers: Orphanet 254361, MedGen C3150989, MONDO:0013390, OMIM 613723.
Junctional epidermolysis bullosa with pyloric atresia. Also called: EB-PA-ACC; Epidermolysis bullosa, junctional, with pyloric atresia and aplasia cutis congenita; Epidermolysis bullosa junctionalis with pyloric atresia; APLASIA CUTIS CONGENITA WITH GASTROINTESTINAL ATRESIA; CARMI SYNDROME; EPIDERMOLYSIS BULLOSA, JUNCTIONAL 5B, WITH PYLORIC ATRESIA. Identifiers: Orphanet 79403, MedGen C5676875, MONDO:0009183, OMIM 226730.
PLEC-related disorder. Also called: PLEC-related disorders; PLEC-related condition.

Allele frequency attached by ClinVar (database versions not stated): 1000 Genomes Project 30x 0.00016; TOPMed 0.00162; gnomAD exomes 0.00196; gnomAD 0.00206 and 0.00218; ESP Exome Variant Server 0.00218; ExAC 0.00343.
gnomAD v4.1: 4,290 of 1,590,638 alleles (0.27%); highest among the groups gnomAD compares: Non-Finnish European, 0.34%; 8 homozygotes.

Submissions (10):

CeGaT Center for Human Genetics Tuebingen
Classification: Likely benign. Last evaluated: 2026-05-01. Review status: criteria provided, single submitter. Criteria: CeGaT Center For Human Genetics Tuebingen Variant Classification Criteria Version 2. Collection method: clinical testing. Allele origin: germline. Affected: yes. Observed: 16 variant alleles.
Comment: PLEC: BP4, BP7

Labcorp Genetics (formerly Invitae), Labcorp
Classification: Benign for Autosomal recessive limb-girdle muscular dystrophy type 2Q; Epidermolysis bullosa simplex, Ogna type; Epidermolysis bullosa simplex with nail dystrophy; Epidermolysis bullosa simplex 5C, with pyloric atresia; Epidermolysis bullosa simplex 5B, with muscular dystrophy. Last evaluated: 2026-02-01. Review status: criteria provided, single submitter. Criteria: Invitae Variant Classification Sherloc (09022015). Collection method: clinical testing. Allele origin: germline.

Athena Diagnostics
Classification: Benign. Last evaluated: 2025-04-29. Review status: criteria provided, single submitter. Criteria: Athena Diagnostics Criteria. Collection method: clinical testing. Allele origin: unknown.
Comment: The frequency of this variant in the general population is higher than would generally be expected for pathogenic variants in this gene.

Blueprint Genetics
Classification: Likely benign. Last evaluated: 2024-11-05. Review status: criteria provided, single submitter. Criteria: ACMG Guidelines, 2015. Collection method: clinical testing. Allele origin: germline.

Fulgent Genetics
Classification: Likely benign for Epidermolysis bullosa simplex, Ogna type; Epidermolysis bullosa simplex 5B, with muscular dystrophy; Junctional epidermolysis bullosa with pyloric atresia; Epidermolysis bullosa simplex 5C, with pyloric atresia; Autosomal recessive limb-girdle muscular dystrophy type 2Q; Epidermolysis bullosa simplex with nail dystrophy. Last evaluated: 2021-08-30. Review status: criteria provided, single submitter. Criteria: ACMG Guidelines, 2015. Collection method: clinical testing. Allele origin: unknown.

GeneDx
Classification: Likely benign. Last evaluated: 2020-09-11. Review status: criteria provided, single submitter. Criteria: GeneDx Variant Classification Process June 2021. Collection method: clinical testing. Allele origin: germline. Affected: yes.

Eurofins Ntd Llc (ga)
Classification: Benign. Last evaluated: 2016-07-05. Review status: criteria provided, single submitter. Criteria: EGL Classification Definitions 2015. Collection method: clinical testing. Allele origin: germline. Observed: 18 variant alleles, 17 heterozygotes, 1 homozygote.

Laboratory for Molecular Medicine, Mass General Brigham Personalized Medicine
Classification: Benign. Last evaluated: 2015-11-03. Review status: criteria provided, single submitter. Criteria: LMM Criteria. Collection method: clinical testing. Allele origin: germline. Observed: 1 variant allele.
Comment: p.Arg2160Arg in exon 31 of PLEC: This variant is not expected to have clinical s ignificance because it does not alter an amino acid residue and is not located w ithin the splice consensus sequence. It has been identified in 0.6% (214/36854) of European chromosomes by the Exome Aggregation Consortium (ExAC; dbSNP rs376365984).

Breakthrough Genomics
Classification: Likely benign. Review status: criteria provided, single submitter. Criteria: ACMG Guidelines, 2015. Collection method: not provided. Allele origin: germline. Inheritance: Autosomal recessive inheritance. Affected: yes.

PreventionGenetics, part of Exact Sciences
Classification: Likely benign for PLEC-related condition. Last evaluated: 2019-09-03. Review status: no assertion criteria provided. Collection method: clinical testing. Allele origin: germline. Not counted in ClinVar's aggregate classification.
Comment: This variant is classified as likely benign based on ACMG/AMP sequence variant interpretation guidelines (Richards et al. 2015 PMID: 25741868, with internal and published modifications).